The following is an entry in ClinVar:

ClinVar aggregate classification (germline): Uncertain significance. Review status: criteria provided, multiple submitters, no conflicts (2 of 4 stars). 2 submissions from 2 submitters: Uncertain significance (2). Last evaluated 2026-07-07.

Conditions:
Hereditary cancer-predisposing syndrome. Also called: Tumor predisposition; Hereditary Cancer Syndrome; Hereditary neoplastic syndrome; Neoplastic Syndromes, Hereditary. Identifiers: Orphanet 140162, MedGen C0027672, MeSH D009386, MONDO:0015356.
Gorlin syndrome. Also called: Basal cell nevus syndrome; Nevoid Basal Cell Carcinoma Syndrome. Identifiers: Orphanet 377, MedGen C0004779, MONDO:0007187.
Medulloblastoma (MDB). Also called: MEDULLOBLASTOMA PREDISPOSITION SYNDROME; Medulloblastoma, somatic. Identifiers: Orphanet 616, MedGen C0025149, MeSH D008527, MONDO:0007959, OMIM 155255, HP:0002885.

Allele frequency attached by ClinVar (database versions not stated): gnomAD exomes below 0.00001.
gnomAD v4.1: 2 of 1,614,214 alleles (0.00012%); highest among the groups gnomAD compares: Non-Finnish European, 0.00017%; no homozygotes.

Submissions (2):

Ambry Genetics
Classification: Uncertain significance for Hereditary cancer-predisposing syndrome. Last evaluated: 2026-07-07. Review status: criteria provided, single submitter. Criteria: Ambry Variant Classification Scheme 2023. Collection method: clinical testing. Allele origin: germline.
Comment: The p.E181K variant (also known as c.541G>A), located in coding exon 4 of the SUFU gene, results from a G to A substitution at nucleotide position 541. The glutamic acid at codon 181 is replaced by lysine, an amino acid with similar properties. This amino acid position is conserved. In addition, this alteration is predicted to be deleterious by in silico analysis. Based on the available evidence, the clinical significance of this variant remains unclear.

Labcorp Genetics (formerly Invitae), Labcorp
Classification: Uncertain significance for Gorlin syndrome; Medulloblastoma. Last evaluated: 2025-05-14. Review status: criteria provided, single submitter. Criteria: Invitae Variant Classification Sherloc (09022015). Collection method: clinical testing. Allele origin: germline.
Comment: This sequence change replaces glutamic acid, which is acidic and polar, with lysine, which is basic and polar, at codon 181 of the SUFU protein (p.Glu181Lys). This variant is not present in population databases (gnomAD no frequency). This variant has not been reported in the literature in individuals affected with SUFU-related conditions. ClinVar contains an entry for this variant (Variation ID: 2146454). Invitae Evidence Modeling of protein sequence and biophysical properties (such as structural, functional, and spatial information, amino acid conservation, physicochemical variation, residue mobility, and thermodynamic stability) indicates that this missense variant is not expected to disrupt SUFU protein function with a negative predictive value of 80%. In summary, the available evidence is currently insufficient to determine the role of this variant in disease. Therefore, it has been classified as a Variant of Uncertain Significance.

NM_016169.4(SUFU):c.541G>A (p.Glu181Lys)

Gene: SUFU (SUFU negative regulator of hedgehog signaling; plus strand). Cytogenetic location: 10q24.32.
Variant type: single nucleotide variant.
Coding change: c.541G>A on transcript NM_016169.4 (MANE Select); coding-DNA position 541, G replaced by A.
Protein change: p.Glu181Lys; replaces glutamic acid 181 with lysine.
Molecular consequence: missense variant.
Genome position (GRCh38, 1-based): chr10:102,592,668, G>A. VCF-style: chr10-102592668-G-A. GRCh37 (hg19) VCF-style: chr10-104352425-G-A.
Other names: c.541G>A, p.Glu181Lys (NM_001178133.2); short protein forms E181K.
Identifiers: ClinVar variation 2146454 (VCV002146454.5), dbSNP rs2545081246, ClinGen allele CA377908462.
Genomic context (GRCh38, chr10:102,592,668, plus strand): 5'-GTGTCCTGGCACAGCCCTTTGGATAACAGTGAGTCAAGAATTCAGCACATGCTGCTGACA[G>A]AGGACCCACAGATGCAGCCCGTGCAGACACCCTTTGGGGTAGTTACCTTCCTCCAGGTGA-3'
Protein context (NP_057253.2, residues 171-191): ESRIQHMLLT[Glu181Lys]DPQMQPVQTP